The following is an entry in ClinVar:

NM_001718.6(BMP6):c.636G>A (p.Ala212=)

Gene: BMP6 (bone morphogenetic protein 6; plus strand). Cytogenetic location: 6p24.3.
Variant type: single nucleotide variant.
Coding change: c.636G>A on transcript NM_001718.6 (MANE Select); coding-DNA position 636, G replaced by A.
Protein change: p.Ala212=; no amino-acid change (alanine 212 retained).
Molecular consequence: synonymous variant.
Genome position (GRCh38, 1-based): chr6:7,727,591, G>A. VCF-style: chr6-7727591-G-A. GRCh37 (hg19) VCF-style: chr6-7727824-G-A.
Identifiers: ClinVar variation 3041229 (VCV003041229.2), dbSNP rs199789965, ClinGen allele CA3628645.

ClinVar aggregate classification (germline): Benign (0 of 4 stars; one submission).

Conditions:
BMP6-related disorder. Also called: BMP6-related condition.

Allele frequency attached by ClinVar (database versions not stated): gnomAD exomes 0.00030; ExAC 0.00076; ESP Exome Variant Server 0.00235; gnomAD 0.00275; TOPMed 0.00314; 1000 Genomes Project 0.00379; 1000 Genomes Project 30x 0.00390.

Submission:

PreventionGenetics, part of Exact Sciences
Classification: Benign for BMP6-related condition. Last evaluated: 2019-06-04. Review status: no assertion criteria provided. Collection method: clinical testing. Allele origin: germline.
Comment: This variant is classified as benign based on ACMG/AMP sequence variant interpretation guidelines (Richards et al. 2015 PMID: 25741868, with internal and published modifications).